The following is an entry in ClinVar:

NM_002055.5(GFAP):c.902G>A (p.Gly301Asp)

Gene: GFAP (glial fibrillary acidic protein; minus strand). Cytogenetic location: 17q21.31.
Variant type: single nucleotide variant.
Coding change: c.902G>A on transcript NM_002055.5 (MANE Select); coding-DNA position 902, G replaced by A.
Protein change: p.Gly301Asp; replaces glycine 301 with aspartic acid.
Molecular consequence: missense variant.
Genome position (GRCh38, 1-based): chr17:44,911,676, C>T on the plus strand (G>A on the coding strand, the complement: GFAP is on the minus strand). VCF-style: chr17-44911676-C-T. GRCh37 (hg19) VCF-style: chr17-42989044-C-T.
Other names: c.902G>A, p.Gly301Asp (NM_001131019.3, NM_001242376.3, NM_001363846.2); short protein forms G301D.
Identifiers: ClinVar variation 3722849 (VCV003722849.2).

ClinVar aggregate classification (germline): Uncertain significance (1 of 4 stars; one submission).

Submission:

Labcorp Genetics (formerly Invitae), Labcorp
Classification: Uncertain significance. Last evaluated: 2024-06-14. Review status: criteria provided, single submitter. Criteria: Invitae Variant Classification Sherloc (09022015). Collection method: clinical testing. Allele origin: germline.
Comment: This sequence change replaces glycine, which is neutral and non-polar, with aspartic acid, which is acidic and polar, at codon 301 of the GFAP protein (p.Gly301Asp). This variant is not present in population databases (gnomAD no frequency). This missense change has been observed in individual(s) with Alexander disease (PMID: 28448978). Advanced modeling of protein sequence and biophysical properties (such as structural, functional, and spatial information, amino acid conservation, physicochemical variation, residue mobility, and thermodynamic stability) has been performed at Invitae for this missense variant, however the output from this modeling did not meet the statistical confidence thresholds required to predict the impact of this variant on GFAP protein function. In summary, the available evidence is currently insufficient to determine the role of this variant in disease. Therefore, it has been classified as a Variant of Uncertain Significance.

Literature cited by the submitters: PubMed 28448978.